The following is an entry in ClinVar:

ClinVar aggregate classification (germline): Uncertain significance (1 of 4 stars; one submission).

Submission:

Labcorp Genetics (formerly Invitae), Labcorp
Classification: Uncertain significance. Last evaluated: 2024-09-02. Review status: criteria provided, single submitter. Criteria: Invitae Variant Classification Sherloc (09022015). Collection method: clinical testing. Allele origin: germline.
Comment: This sequence change creates a premature translational stop signal (p.Phe95Serfs*3) in the SIAE gene. It is expected to result in an absent or disrupted protein product. However, the current clinical and genetic evidence is not sufficient to establish whether loss-of-function variants in SIAE cause disease. This variant is present in population databases (rs748185428, gnomAD 0.01%). This variant has not been reported in the literature in individuals affected with SIAE-related conditions. In summary, the available evidence is currently insufficient to determine the role of this variant in disease. Therefore, it has been classified as a Variant of Uncertain Significance.

NM_170601.5(SIAE):c.284del (p.Phe95fs)

Gene: SIAE (sialic acid acetylesterase; minus strand). Cytogenetic location: 11q24.2.
Variant type: Deletion.
Coding change: c.284del on transcript NM_170601.5 (MANE Select); coding-DNA position 284, one base deleted (T; older notation c.284delT).
Protein change: p.Phe95fs; shifts the reading frame from phenylalanine 95.
Molecular consequence: frameshift variant.
Genome position (GRCh38, 1-based): chr11:124,660,749, A deleted on the plus strand (T on the coding strand, the reverse complement: SIAE is on the minus strand); the first of 3 consecutive A bases (chr11:124,660,749-124,660,751); deleting any one gives the same sequence. VCF-style (leftmost placement, unchanged base first): chr11-124660748-GA-G. GRCh37 (hg19) VCF-style: chr11-124530644-GA-G.
Other names: c.179del, p.Phe60fs (NM_001199922.2); short protein forms F60fs, F95fs.
Identifiers: ClinVar variation 3697231 (VCV003697231.2).